The following is an entry in ClinVar:

NM_000018.4(ACADVL):c.1489_1490dup (p.Asn497fs)

Gene: ACADVL (acyl-CoA dehydrogenase very long chain; plus strand). Cytogenetic location: 17p13.1.
Variant type: Duplication.
Coding change: c.1489_1490dup on transcript NM_000018.4 (MANE Select); coding-DNA positions 1489 to 1490, 2 bases duplicated (AA; older notation c.1489_1490dupAA).
Protein change: p.Asn497fs; shifts the reading frame from asparagine 497.
Molecular consequence: frameshift variant.
Genome position (GRCh38, 1-based): chr17:7,224,200-7,224,201, AA duplicated. VCF-style (leftmost placement, unchanged base first): chr17-7224199-G-GAA. GRCh37 (hg19) VCF-style: chr17-7127518-G-GAA.
Other names: c.1423_1424dup, p.Asn475fs (NM_001033859.3); c.1558_1559dup, p.Asn520fs (NM_001270447.2); c.1261_1262dup, p.Asn421fs (NM_001270448.2); short protein forms N421fs, N475fs, N497fs, N520fs.
Identifiers: ClinVar variation 4065361 (VCV004065361.2).
Genomic context (GRCh38, chr17:7,224,199, plus strand): 5'-CCCATAGGACAAAGGAAAGGAGCTCTCTGGGCTTGGCAGTGCTCTAAAGAATCCCTTTGG[G>GAA]AATGCTGGCCTCCTGCTAGGAGAGGCAGGCAAACAGCTGAGGCGGTAGGCTTAGGGCCAG-3'

ClinVar aggregate classification (germline): Likely pathogenic (1 of 4 stars; one submission).

Conditions:
Very long chain acyl-CoA dehydrogenase deficiency (ACADVLD). Also called: VLCAD Deficiency; Very Long-Chain Acyl-Coenzyme A Dehydrogenase Deficiency. Identifiers: Orphanet 26793, MedGen C3887523, MONDO:0008723, OMIM 201475.

Submission:

Natera, Inc.
Classification: Likely pathogenic for Very long chain acyl-CoA dehydrogenase deficiency. Last evaluated: 2025-01-09. Review status: criteria provided, single submitter. Criteria: Natera Variant Classification Schema (03/2026). Collection method: clinical testing. Allele origin: germline.
Comment: The c.1489_1490dup variant in ACADVL is a frameshift variant predicted to shift the reading frame beginning at codon 497 and leads to a stop codon 7 codons downstream. This variant is expected to result in nonsense mediated decay, truncation, or a dysfunctional protein product. This variant is rare in the general population with a frequency below the threshold expected for the associated phenotype(s). Given the available evidence, this variant is classified as Likely Pathogenic.